The following is an entry in ClinVar:

NM_007279.3(U2AF2):c.1256G>A (p.Arg419Gln)

Gene: U2AF2 (U2 small nuclear RNA auxiliary factor 2; plus strand). Cytogenetic location: 19q13.42.
Variant type: single nucleotide variant.
Coding change: c.1256G>A on transcript NM_007279.3 (MANE Select); coding-DNA position 1256, G replaced by A.
Protein change: p.Arg419Gln; replaces arginine 419 with glutamine.
Molecular consequence: missense variant.
Genome position (GRCh38, 1-based): chr19:55,669,655, G>A. VCF-style: chr19-55669655-G-A. GRCh37 (hg19) VCF-style: chr19-56181021-G-A.
Other names: c.1244G>A, p.Arg415Gln (NM_001012478.2); short protein forms R415Q, R419Q.
Identifiers: ClinVar variation 1240404 (VCV001240404.1), dbSNP rs1984754253, ClinGen allele CA407570531.

ClinVar aggregate classification (germline): Uncertain significance (1 of 4 stars; one submission).

Allele frequency attached by ClinVar (database versions not stated): TOPMed below 0.00001.

Submission:

HudsonAlpha Institute for Biotechnology
Classification: Uncertain significance. Last evaluated: 2020-12-22. Review status: criteria provided, single submitter. Criteria: ACMG Guidelines, 2015. Collection method: research. Allele origin: unknown. Observed: 1 variant allele. Study: HudsonAlpha-AGHI-WGS.
Comment: ACMG codes:PM2, PP3